The following is an entry in ClinVar:

NM_001375524.1(TRRAP):c.668A>G (p.Lys223Arg)

Gene: TRRAP (transformation/transcription domain associated protein; plus strand). Cytogenetic location: 7q22.1.
Variant type: single nucleotide variant.
Coding change: c.668A>G on transcript NM_001375524.1 (MANE Select); coding-DNA position 668, A replaced by G.
Protein change: p.Lys223Arg; replaces lysine 223 with arginine.
Molecular consequence: missense variant.
Genome position (GRCh38, 1-based): chr7:98,899,456, A>G. VCF-style: chr7-98899456-A-G. GRCh37 (hg19) VCF-style: chr7-98497079-A-G.
Other names: c.668A>G, p.Lys223Arg (NM_001244580.2, NM_003496.4); short protein forms K223R.
Identifiers: ClinVar variation 3602893 (VCV003602893.1).
Genomic context (GRCh38, chr7:98,899,456, plus strand): 5'-GGGTCCTACCCATTTCTGTCTTCCAGCATTCCATCATTCCGAGGGGATCACTTTCTCTGA[A>G]AGTGTTGGCAGAATTGCCCATTATTGTTGTTTTAATGTATCAGGTATGTGTATTGCTCAT-3'
Protein context (NP_001362453.1, residues 213-233): SIIPRGSLSL[Lys223Arg]VLAELPIIVV

ClinVar aggregate classification (germline): Uncertain significance (1 of 4 stars; one submission).

Submission:

GeneDx
Classification: Uncertain significance. Last evaluated: 2024-08-09. Review status: criteria provided, single submitter. Criteria: GeneDx Variant Classification Process June 2021. Collection method: clinical testing. Allele origin: germline. Affected: yes.
Comment: Not observed at significant frequency in large population cohorts (gnomAD); In silico analysis indicates that this missense variant does not alter protein structure/function; Has not been previously published as pathogenic or benign to our knowledge